The following is an entry in ClinVar:

ClinVar aggregate classification (germline): Likely pathogenic. Review status: criteria provided, multiple submitters, no conflicts (2 of 4 stars). 2 submissions from 2 submitters: Likely pathogenic (2). Last evaluated 2025-12-16.

Conditions:
Dilated cardiomyopathy 1G (CMD1G). Identifiers: Orphanet 154, MedGen C1858763, MONDO:0011400, OMIM 604145.
Autosomal recessive limb-girdle muscular dystrophy type 2J (LGMDR10). Also called: MUSCULAR DYSTROPHY, LIMB-GIRDLE, AUTOSOMAL RECESSIVE 10; Limb-girdle muscular dystrophy, type 2J. Identifiers: Orphanet 140922, MedGen C1837342, MONDO:0012127, OMIM 608807.
TTN-related disorder. Also called: TTN-related disorders; TTN-related condition; TTN-related disease.

Submissions (2):

Labcorp Genetics (formerly Invitae), Labcorp
Classification: Likely pathogenic for Dilated cardiomyopathy 1G; Autosomal recessive limb-girdle muscular dystrophy type 2J. Last evaluated: 2025-12-16. Review status: criteria provided, single submitter. Criteria: Invitae Variant Classification Sherloc (09022015). Collection method: clinical testing. Allele origin: germline.
Comment: This sequence change creates a premature translational stop signal (p.Asp29111Glyfs*6) in the TTN gene. While this is not anticipated to result in nonsense mediated decay, it is expected to create a truncated TTN protein. This variant is not present in population databases (gnomAD no frequency). This variant has not been reported in the literature in individuals affected with TTN-related conditions. This variant is located in the A band of TTN (PMID: 25589632). Truncating variants in this region are significantly overrepresented in patients affected with dilated cardiomyopathy (PMID: 25589632). Truncating variants in this region have also been reported in individuals affected with autosomal recessive centronuclear myopathy (PMID: 23975875). In summary, the currently available evidence indicates that the variant is pathogenic, but additional data are needed to prove that conclusively. Therefore, this variant has been classified as Likely Pathogenic.

PreventionGenetics, part of Exact Sciences
Classification: Likely pathogenic for TTN-related condition. Last evaluated: 2025-01-10. Review status: criteria provided, single submitter. Criteria: ACMG Guidelines, 2015. Collection method: clinical testing. Allele origin: germline.
Comment: The TTN c.87331dupG variant is predicted to result in a frameshift and premature protein termination (p.Asp29111Glyfs*6). To our knowledge, this variant has not been reported in the literature or in a large population database (gnomAD), indicating this variant is rare. This variant is located in the A-band region of the protein in which truncating TTN variants have been found more frequently in dilated cardiomyopathy patients than in controls (Herman et al. 2012. PubMed ID: 22335739). RNAseq studies from heart tissue indicate this exon is commonly included in TTN mRNA transcripts (PSI of 95%-100%); however, this analysis in muscle tissue was not performed (Roberts et al. 2015. PMID: 25589632). TTN truncating variants are reported in 1-2% of presumably healthy individuals and occur more frequently in exons with low PSI values, indicating this variant is more likely to be disease causing (Herman et al. 2012. PubMed ID: 22335739; Roberts et al. 2015. PubMed ID: 25589632). In summary, this variant is interpreted as likely pathogenic for autosomal dominant and autosomal recessive TTN-related disorders.

Literature cited by the submitters: PubMed 25589632 (cited by Labcorp Genetics (formerly Invitae), Labcorp); PubMed 23975875 (cited by Labcorp Genetics (formerly Invitae), Labcorp).

NM_001267550.2(TTN):c.87331dup (p.Asp29111fs)

Genes: TTN (titin; minus strand), TTN-AS1 (TTN antisense RNA 1; plus strand). Cytogenetic location: 2q31.2.
Variant type: Duplication.
Coding change: c.87331dup on transcript NM_001267550.2 (MANE Select); coding-DNA position 87331, one base duplicated (G; older notation c.87331dupG).
Protein change: p.Asp29111fs; shifts the reading frame from aspartic acid 29111.
Molecular consequence: frameshift variant.
Genome position (GRCh38, 1-based): chr2:178,558,023, C duplicated on the plus strand (G on the coding strand, the reverse complement: TTN is on the minus strand). VCF-style (leftmost placement, unchanged base first): chr2-178558022-T-TC. GRCh37 (hg19) VCF-style: chr2-179422749-T-TC.
Other names: c.87331dupG (NM_001267550.2); c.82408dup, p.Asp27470fs (NM_001256850.1); c.60136dup, p.Asp20046fs (NM_003319.4); c.79627dup, p.Asp26543fs (NM_133378.4); c.60511dup, p.Asp20171fs (NM_133432.3); c.60712dup, p.Asp20238fs (NM_133437.4); short protein forms D20046fs, D27470fs, D20238fs, D29111fs, D20171fs, D26543fs.
Identifiers: ClinVar variation 4787051 (VCV004787051.2).